The following is an entry in ClinVar:

ClinVar aggregate classification (germline): Conflicting classifications of pathogenicity. Review status: criteria provided, conflicting classifications (1 of 4 stars). 3 submissions from 3 submitters: Uncertain significance (2); Likely benign (1). Last evaluated 2025-08-18.

Conditions:
Familial thoracic aortic aneurysm and aortic dissection (TAAD). Also called: Thoracic aortic aneurysms and dissections. Identifiers: Orphanet 91387, MedGen C4707243, MONDO:0019625.
Congenital contractural arachnodactyly (CCA). Also called: BEALS SYNDROME; Beals-Hecht syndrome; Arthrogryposis, distal, type 9. Identifiers: Orphanet 115, MedGen C0220668, MONDO:0007363, OMIM 121050.

Allele frequency attached by ClinVar (database versions not stated): TOPMed 0.00002.
gnomAD v4.1: 17 of 1,611,478 alleles (0.0011%); highest among the groups gnomAD compares: Admixed American, 0.0017%; no homozygotes.

Submissions (3):

Labcorp Genetics (formerly Invitae), Labcorp
Classification: Likely benign for Congenital contractural arachnodactyly. Last evaluated: 2025-08-18. Review status: criteria provided, single submitter. Criteria: Invitae Variant Classification Sherloc (09022015). Collection method: clinical testing. Allele origin: germline.

Ambry Genetics
Classification: Uncertain significance for Familial thoracic aortic aneurysm and aortic dissection. Last evaluated: 2025-01-22. Review status: criteria provided, single submitter. Criteria: Ambry Variant Classification Scheme 2023. Collection method: clinical testing. Allele origin: germline.
Comment: The p.R2362T variant (also known as c.7085G>C), located in coding exon 56 of the FBN2 gene, results from a G to C substitution at nucleotide position 7085. The arginine at codon 2362 is replaced by threonine, an amino acid with similar properties. This amino acid position is highly conserved in available vertebrate species. In addition, this alteration is predicted to be deleterious by in silico analysis. Based on the available evidence, the clinical significance of this variant remains unclear.

GeneDx
Classification: Uncertain significance. Last evaluated: 2024-02-12. Review status: criteria provided, single submitter. Criteria: GeneDx Variant Classification Process June 2021. Collection method: clinical testing. Allele origin: germline. Affected: yes.
Comment: Not observed at significant frequency in large population cohorts (gnomAD); In silico analysis supports that this missense variant has a deleterious effect on protein structure/function; Although located in a calcium-binding EGF-like domain of the FBN2 gene, it does not substitute or introduce a cysteine residue (PMID: 19006240, 18767143); Has not been previously published as pathogenic or benign to our knowledge; This variant is associated with the following publications: (PMID: 19006240, 18767143)

NM_001999.4(FBN2):c.7085G>C (p.Arg2362Thr)

Gene: FBN2 (fibrillin 2; minus strand). Cytogenetic location: 5q23.3.
Variant type: single nucleotide variant.
Coding change: c.7085G>C on transcript NM_001999.4 (MANE Select); coding-DNA position 7085, G replaced by C.
Protein change: p.Arg2362Thr; replaces arginine 2362 with threonine.
Molecular consequence: missense variant.
Genome position (GRCh38, 1-based): chr5:128,280,245, C>G on the plus strand (G>C on the coding strand, the complement: FBN2 is on the minus strand). VCF-style: chr5-128280245-C-G. GRCh37 (hg19) VCF-style: chr5-127615937-C-G.
Other names: short protein forms R2362T.
Identifiers: ClinVar variation 519860 (VCV000519860.20), dbSNP rs771718967, ClinGen allele CA3394224.